The following is an entry in ClinVar:

NM_007294.4(BRCA1):c.1035T>A (p.Asp345Glu)

Gene: BRCA1 (BRCA1 DNA repair associated; minus strand). Cytogenetic location: 17q21.31.
Variant type: single nucleotide variant.
Coding change: c.1035T>A on transcript NM_007294.4 (MANE Select); coding-DNA position 1035, T replaced by A.
Protein change: p.Asp345Glu; replaces aspartic acid 345 with glutamic acid.
Molecular consequence: missense variant. On other transcripts: intron variant (137).
Genome position (GRCh38, 1-based): chr17:43,094,496, A>T on the plus strand (T>A on the coding strand, the complement: BRCA1 is on the minus strand). VCF-style: chr17-43094496-A-T. GRCh37 (hg19) VCF-style: chr17-41246513-A-T.
Other names: c.891T>A, p.Asp297Glu (NM_001407943.1, NM_001407740.1, NM_001407741.1 and 20 more transcripts); c.894T>A, p.Asp298Glu (NM_001407944.1, NM_001407945.1, NM_001407692.1 and 29 more transcripts); c.702T>A, p.Asp234Glu (NM_001407946.1, NM_001407947.1, NM_001407948.1 and 6 more transcripts); c.1032T>A, p.Asp344Glu (NM_001407628.1, NM_001407629.1, NM_001407630.1 and 22 more transcripts); c.1035T>A, p.Asp345Glu (NM_001407621.1, NM_001407622.1, NM_001407623.1 and 30 more transcripts); c.822T>A, p.Asp274Glu (NM_001407571.1, NM_001407915.1, NM_001407899.1 and 9 more transcripts); c.699T>A, p.Asp233Glu (NM_001407954.1, NM_001407955.1, NM_001407956.1 and 1 more transcripts); c.654T>A, p.Asp218Glu (NM_001407959.1, NM_001407960.1, NM_001407963.1); and 40 more; short protein forms D177E, D217E, D218E, D233E, D234E, D256E, D257E, D274E.
Identifiers: ClinVar variation 4856525 (VCV004856525.1).

ClinVar aggregate classification (germline): Likely benign (1 of 4 stars; one submission).

Conditions:
Breast-ovarian cancer, familial, susceptibility to, 1 (BROVCA1). Also called: OVARIAN CANCER, SUSCEPTIBILITY TO; BRCA1 Hereditary Breast and Ovarian Cancer. Identifiers: Orphanet 145, MedGen C2676676, MONDO:0011450, OMIM 604370. Disease mechanism: loss of function.

gnomAD v4.1: 1 of 1,613,968 alleles (0.000062%); highest among the groups gnomAD compares: South Asian, 0.0011%; no homozygotes.

Submission:

Cancer Bioinformatics and Tumour Evolution Laboratory, Monash University
Classification: Likely benign for Breast-ovarian cancer, familial, susceptibility to, 1. Last evaluated: 2026-05-01. Review status: criteria provided, single submitter. Criteria: ClinGen BRCA1 and BRCA2 Guidelines, 2024. Collection method: curation. Allele origin: germline. Inheritance: Autosomal dominant inheritance.
Comment: Missense variant outside of a functional domain with no splice impact. BRCA1 and BRCA2 VCEP guidelines recommend application of BP1_Strong (PMID: 39142283)